The following is an entry in ClinVar:

NM_033629.6(TREX1):c.243_246del (p.Ser82fs)

Genes: TREX1 (three prime repair exonuclease 1; plus strand), ATRIP (ATR interacting protein; plus strand), ATRIP-TREX1 (ATRIP-TREX1 readthrough; plus strand). Cytogenetic location: 3p21.31.
Variant type: Microsatellite.
Coding change: c.243_246del on transcript NM_033629.6 (MANE Select); coding-DNA positions 243 to 246, 4 bases deleted (CAGC; older notation c.243_246delCAGC).
Protein change: p.Ser82fs; shifts the reading frame from serine 82.
Molecular consequence: frameshift variant. On other transcripts: non-coding transcript variant (1), 3 prime UTR variant (4).
Genome position (GRCh38, 1-based): chr3:48,466,898-48,466,901, CAGC deleted; deleting any 4 consecutive bases within chr3:48,466,894-48,466,901 gives the same sequence; the c. name uses the placement nearest the transcript's 3' end. VCF-style (leftmost placement, unchanged base first): chr3-48466893-GCAGC-G. GRCh37 (hg19) VCF-style: chr3-48508292-GCAGC-G.
Other names: c.243_246delCAGC (NM_033629.6); c.213_216del, p.Ser72fs (NM_007248.5); c.*1340CAGC[1] (NM_001271022.2, NM_001271023.2, NM_032166.4 and 1 more transcripts); short protein forms S72fs, S82fs.
Identifiers: ClinVar variation 915280 (VCV000915280.5), dbSNP rs2040335386, ClinGen allele CA1139658063.

ClinVar aggregate classification (germline): Pathogenic. Review status: criteria provided, multiple submitters, no conflicts (2 of 4 stars). 2 submissions from 2 submitters: Pathogenic (2). Last evaluated 2025-10-12.

Conditions:
Aicardi-Goutieres syndrome 1. Also called: PSEUDOTOXOPLASMOSIS SYNDROME; CREE ENCEPHALITIS; ENCEPHALOPATHY, FAMILIAL INFANTILE, WITH INTRACRANIAL CALCIFICATION AND CHRONIC CEREBROSPINAL FLUID LYMPHOCYTOSIS. Identifiers: Orphanet 51, MedGen C0796126, MONDO:0009165, OMIM 225750.

Submissions (2):

Victorian Clinical Genetics Services, Murdoch Childrens Research Institute
Classification: Pathogenic for Aicardi-Goutieres syndrome 1. Last evaluated: 2025-10-12. Review status: criteria provided, single submitter. Criteria: ACMG Guidelines, 2015. Collection method: clinical testing. Allele origin: germline. Affected: no.
Comment: This variant is classified as Pathogenic. Evidence in support of pathogenic classification: Variant is predicted to result in a truncated protein (premature termination codon is NOT located at least 54 nucleotides upstream of the final exon-exon junction) with at least 1/3 of the protein sequence affected; Variant is present in gnomAD <0.01 (v4: 1 heterozygote(s), 0 homozygote(s)); This variant has limited previous evidence of pathogenicity in an unrelated individual(s). This variant has been classified as pathogenic by a clinical laboratory (ClinVar). This variant has also been reported in at least one compound heterozygous child with Aicardi-Goutieres syndrome (PMID: 33235754); Other protein truncating variant(s) comparable to the one identified in this case have very strong previous evidence for pathogenicity (DECIPHER). Additional information: This variant is heterozygous; This gene is associated with both recessive and dominant disease. Aicardi-Goutieres syndrome is predominantly a recessive condition; however, there have been rare cases of a dominant form of the disease reported (OMIM); Dominant negative and loss of function are known mechanisms of disease in this gene and are associated with TREX1-related conditions. Loss of function is generally associated with recessive disease, while dominant negative variants are associated with dominant disease (OMIM, PMID: 21937424). However, loss of function is the mechanism of disease associated with heterozygous C-terminal frameshift variants identified in individuals with vasculopathy, retinal, with cerebral leukoencephalopathy and systemic manifestations (MIM#192315) (OMIM); Variants in this gene are known to have variable expressivity, with intrafamilial and interfamilial variability reported (PMID: 33516249).

Genomic Research Center, Shahid Beheshti University of Medical Sciences
Classification: Pathogenic for Aicardi-Goutieres syndrome 1. Last evaluated: 2020-05-03. Review status: criteria provided, single submitter. Criteria: ACMG Guidelines, 2015. Collection method: clinical testing. Allele origin: unknown. Affected: yes.

Literature cited by the submitters: PubMed 33516249 (cited by Victorian Clinical Genetics Services, Murdoch Childrens Research Institute); PubMed 33235754 (cited by Victorian Clinical Genetics Services, Murdoch Childrens Research Institute); PubMed 21937424 (cited by Victorian Clinical Genetics Services, Murdoch Childrens Research Institute).